The following is an entry in ClinVar:

ClinVar aggregate classification (germline): Uncertain significance. Review status: criteria provided, multiple submitters, no conflicts (2 of 4 stars). 3 submissions from 3 submitters: Uncertain significance (2). 1 of the submissions does not count toward it. Last evaluated 2024-04-11.

Conditions:
Hereditary cancer-predisposing syndrome. Also called: Tumor predisposition; Hereditary neoplastic syndrome; Hereditary Cancer Syndrome; Neoplastic Syndromes, Hereditary. Identifiers: Orphanet 140162, MedGen C0027672, MeSH D009386, MONDO:0015356.
Bloom syndrome (BLM). Also called: Bloom-Torre-Machacek syndrome. Identifiers: Orphanet 125, MedGen C0005859, MONDO:0008876, OMIM 210900.

Submissions (3):

Labcorp Genetics (formerly Invitae), Labcorp
Classification: Uncertain significance for Bloom syndrome. Last evaluated: 2024-04-11. Review status: criteria provided, single submitter. Criteria: Invitae Variant Classification Sherloc (09022015). Collection method: clinical testing. Allele origin: germline.
Comment: This sequence change replaces aspartic acid, which is acidic and polar, with histidine, which is basic and polar, at codon 64 of the BLM protein (p.Asp64His). This variant is not present in population databases (gnomAD no frequency). This variant has not been reported in the literature in individuals affected with BLM-related conditions. ClinVar contains an entry for this variant (Variation ID: 936662). An algorithm developed to predict the effect of missense changes on protein structure and function (PolyPhen-2) suggests that this variant is likely to be disruptive. In summary, the available evidence is currently insufficient to determine the role of this variant in disease. Therefore, it has been classified as a Variant of Uncertain Significance.

Ambry Genetics
Classification: Uncertain significance for Hereditary cancer-predisposing syndrome. Last evaluated: 2024-01-05. Review status: criteria provided, single submitter. Criteria: Ambry Variant Classification Scheme 2023. Collection method: clinical testing. Allele origin: germline.
Comment: The p.D64H variant (also known as c.190G>C), located in coding exon 2 of the BLM gene, results from a G to C substitution at nucleotide position 190. The aspartic acid at codon 64 is replaced by histidine, an amino acid with similar properties. This amino acid position is well conserved in available vertebrate species. In addition, the in silico prediction for this alteration is inconclusive. Since supporting evidence is limited at this time, the clinical significance of this alteration remains unclear.

Natera, Inc.
Classification: Uncertain significance for Bloom syndrome. Last evaluated: 2025-05-09. Review status: no assertion criteria provided. Collection method: clinical testing. Allele origin: germline. Not counted in ClinVar's aggregate classification.

NM_000057.4(BLM):c.190G>C (p.Asp64His)

Gene: BLM (BLM RecQ like helicase; plus strand). Cytogenetic location: 15q26.1.
Variant type: single nucleotide variant.
Coding change: c.190G>C on transcript NM_000057.4 (MANE Select); coding-DNA position 190, G replaced by C.
Protein change: p.Asp64His; replaces aspartic acid 64 with histidine.
Molecular consequence: missense variant. On other transcripts: 5 prime UTR variant (1).
Genome position (GRCh38, 1-based): chr15:90,749,458, G>C. VCF-style: chr15-90749458-G-C. GRCh37 (hg19) VCF-style: chr15-91292688-G-C.
Other names: c.190G>C, p.Asp64His (NM_001287246.2, NM_001287247.2); c.-1102G>C (NM_001287248.2); short protein forms D64H.
Identifiers: ClinVar variation 936662 (VCV000936662.11), dbSNP rs1895602796, ClinGen allele CA393839653.
Genomic context (GRCh38, chr15:90,749,458, plus strand): 5'-GATAACAATGTATCTGTAACTAATGTGTCAGTAGCAAAAACACCTGTATTAAGAAATAAA[G>C]ATGTTAATGTTACCGAAGACTTTTCCTTCAGTGAACCTCTACCCAACACCACAAATCAGC-3'
Protein context (NP_000048.1, residues 54-74): VAKTPVLRNK[Asp64His]VNVTEDFSFS